The following is an entry in ClinVar:

NM_000053.4(ATP7B):c.2031G>T (p.Glu677Asp)

Gene: ATP7B (ATPase copper transporting beta; minus strand). Cytogenetic location: 13q14.3.
Variant type: single nucleotide variant.
Coding change: c.2031G>T on transcript NM_000053.4 (MANE Select); coding-DNA position 2031, G replaced by T.
Protein change: p.Glu677Asp; replaces glutamic acid 677 with aspartic acid.
Molecular consequence: missense variant. On other transcripts: intron variant (13).
Genome position (GRCh38, 1-based): chr13:51,960,238, C>A on the plus strand (G>T on the coding strand, the complement: ATP7B is on the minus strand). VCF-style: chr13-51960238-C-A. GRCh37 (hg19) VCF-style: chr13-52534374-C-A.
Other names: c.1870-2631G>T (NM_001406546.1, NM_001406542.1, NM_001005918.3 and 1 more transcripts); c.1870-1694G>T (NM_001406540.1, NM_001330579.2, NM_001406532.1 and 1 more transcripts); c.1774-2631G>T (NM_001406544.1); c.1286-10077G>T (NM_001406548.1); c.1708-2631G>T (NM_001406547.1, NM_001406545.1); c.1698G>T, p.Glu566Asp (NM_001243182.2); c.2031G>T, p.Glu677Asp (NM_001330578.2, NM_001406511.1, NM_001406512.1 and 16 more transcripts); c.1998G>T, p.Glu666Asp (NM_001406514.1, NM_001406524.1); and 3 more; short protein forms E534D, E566D, E645D, E666D, E677D.
Identifiers: ClinVar variation 3069405 (VCV003069405.2), dbSNP rs533906179, ClinGen allele CA250060425.

ClinVar aggregate classification (germline): Uncertain significance. Review status: criteria provided, multiple submitters, no conflicts (2 of 4 stars). 2 submissions from 2 submitters: Uncertain significance (2). Last evaluated 2024-02-05.

Conditions:
Wilson disease (WND). Also called: Wilson's disease. Identifiers: Orphanet 905, MedGen C0019202, MONDO:0010200, OMIM 277900. Disease mechanism: loss of function.

Allele frequency attached by ClinVar (database versions not stated): gnomAD 0.00001.
gnomAD v4.1: 9 of 1,613,826 alleles (0.00056%); highest among the groups gnomAD compares: Non-Finnish European, 0.00076%; no homozygotes.

Submissions (2):

All of Us Research Program, National Institutes of Health
Classification: Uncertain significance for Wilson disease. Last evaluated: 2024-02-05. Review status: criteria provided, single submitter. Criteria: ACMG Guidelines, 2015. Collection method: clinical testing. Allele origin: germline. Inheritance: Autosomal recessive inheritance. Observed: 4 variant alleles, 4 heterozygotes.
Comment: This missense variant replaces glutamic acid with aspartic acid at codon 677 of the ATP7B protein. Computational prediction suggests that this variant may not impact protein structure and function (internally defined REVEL score threshold <= 0.5, PMID: 27666373). To our knowledge, functional studies have not been reported for this variant. This variant has not been reported in individuals affected with ATP7B-related disorders in the literature. This variant has been identified in 1/31390 chromosomes in the general population by the Genome Aggregation Database (gnomAD). The available evidence is insufficient to determine the role of this variant in disease conclusively. Therefore, this variant is classified as a Variant of Uncertain Significance.

This study involves interpretation of variants in research participants for the purpose of population health screening. Participant phenotype was not available at the time of variant classification. Additional details can be found in publication PMID: 35346344, PMCID: PMC8962531

Color Diagnostics, LLC DBA Color Health
Classification: Uncertain significance for Wilson disease. Last evaluated: 2022-12-08. Review status: criteria provided, single submitter. Criteria: ACMG Guidelines, 2015. Collection method: clinical testing. Allele origin: germline.
Comment: This missense variant replaces glutamic acid with aspartic acid at codon 677 of the ATP7B protein. Computational prediction suggests that this variant may not impact protein structure and function. To our knowledge, functional studies have not been reported for this variant. This variant has not been reported in individuals affected with ATP7B-related disorders in the literature. This variant has been identified in 1/31390 chromosomes in the general population by the Genome Aggregation Database (gnomAD). The available evidence is insufficient to determine the role of this variant in disease conclusively. Therefore, this variant is classified as a Variant of Uncertain Significance.